The following is an entry in ClinVar:

NM_001040108.2(MLH3):c.2510A>G (p.Asp837Gly)

Gene: MLH3 (mutL homolog 3; minus strand). Cytogenetic location: 14q24.3.
Variant type: single nucleotide variant.
Coding change: c.2510A>G on transcript NM_001040108.2 (MANE Select); coding-DNA position 2510, A replaced by G.
Protein change: p.Asp837Gly; replaces aspartic acid 837 with glycine.
Molecular consequence: missense variant.
Genome position (GRCh38, 1-based): chr14:75,047,146, T>C on the plus strand (A>G on the coding strand, the complement: MLH3 is on the minus strand). VCF-style: chr14-75047146-T-C. GRCh37 (hg19) VCF-style: chr14-75513849-T-C.
Other names: c.2510A>G, p.Asp837Gly (NM_014381.3); short protein forms D837G.
Identifiers: ClinVar variation 4108658 (VCV004108658.1).
Genomic context (GRCh38, chr14:75,047,146, plus strand): 5'-GATAACTCCTTCAGGGTCATAGGACTTTCTCTCAAACTAGGCATCTGTTGTTCTAAACAA[T>C]CTTCATCCTTGGAGAATGGAAACTTCTCTGAGTTAAGGATGTGGCTTGCTGGTTGACAAC-3'
Protein context (NP_001035197.1, residues 827-847): SEKFPFSKDE[Asp837Gly]CLEQQMPSLR

ClinVar aggregate classification (germline): Uncertain significance (1 of 4 stars; one submission).

Submission:

Ambry Genetics
Classification: Uncertain significance. Last evaluated: 2025-08-04. Review status: criteria provided, single submitter. Criteria: Ambry Variant Classification Scheme 2023. Collection method: clinical testing. Allele origin: germline.
Comment: The p.D837G variant (also known as c.2510A>G), located in coding exon 1 of the MLH3 gene, results from an A to G substitution at nucleotide position 2510. The aspartic acid at codon 837 is replaced by glycine, an amino acid with similar properties. This amino acid position is conserved. In addition, this alteration is predicted to be tolerated by in silico analysis. Based on the available evidence, the clinical significance of this variant remains unclear.